The following is an entry in ClinVar:

ClinVar aggregate classification (germline): Pathogenic/Likely pathogenic. Review status: criteria provided, multiple submitters, no conflicts (2 of 4 stars). 3 submissions from 3 submitters: Pathogenic (2); Likely pathogenic (1). Last evaluated 2023-08-22.

Conditions:
SPAST-related disorder. Also called: SPAST-related condition.
Hereditary spastic paraplegia 4. Also called: Familial spastic paraplegia autosomal dominant 2; Spastic Paraplegia 4; Spastic paraplegia 4, autosomal dominant. Identifiers: Orphanet 100985, MedGen C1866855, MONDO:0008438, OMIM 182601.

Submissions (3):

3billion
Classification: Likely pathogenic for Hereditary spastic paraplegia 4. Last evaluated: 2023-08-22. Review status: criteria provided, single submitter. Criteria: ACMG Guidelines, 2015. Collection method: clinical testing. Allele origin: germline. Affected: yes.
Comment: The variant is not observed in the gnomAD v2.1.1 dataset. Predicted Consequence/Location: Canonical splice site: predicted to alter splicing and result in a loss or disruption of normal protein function. Multiple pathogenic variants are reported in the predicted truncated region. The variant has been reported to be associated with SPAST related disorder (ClinVar ID: VCV001070648 /PMID: 26208798). Therefore, this variant is classified as Likely pathogenic according to the recommendation of ACMG/AMP guideline.

Blueprint Genetics
Classification: Pathogenic for SPAST-related disorders. Last evaluated: 2022-03-24. Review status: criteria provided, single submitter. Criteria: ACMG Guidelines, 2015. Collection method: clinical testing. Allele origin: germline. Affected: yes. Observed: 2 variant alleles.

Labcorp Genetics (formerly Invitae), Labcorp
Classification: Pathogenic for Hereditary spastic paraplegia 4. Last evaluated: 2021-08-24. Review status: criteria provided, single submitter. Criteria: Invitae Variant Classification Sherloc (09022015). Collection method: clinical testing. Allele origin: germline.

Literature cited by the submitters: PubMed 26208798 (cited by 3billion).

NM_014946.4(SPAST):c.1728+2T>G

Gene: SPAST (spastin; plus strand). Cytogenetic location: 2p22.3.
Variant type: single nucleotide variant.
Coding change: c.1728+2T>G on transcript NM_014946.4 (MANE Select); the canonical splice donor site of the intron after coding-DNA position 1728, T replaced by G.
Molecular consequence: splice donor variant.
Genome position (GRCh38, 1-based): chr2:32,147,260, T>G. VCF-style: chr2-32147260-T-G. GRCh37 (hg19) VCF-style: chr2-32372329-T-G.
Other names: c.1632+2T>G (NM_199436.2); c.*1+2T>G (NM_001377959.1); c.1725+2T>G (NM_001363823.2); c.1629+2T>G (NM_001363875.2).
Identifiers: ClinVar variation 1070648 (VCV001070648.6), dbSNP rs1553319874, ClinGen allele CA346504403.